The following is an entry in ClinVar:

ClinVar aggregate classification (germline): Conflicting classifications of pathogenicity. Review status: criteria provided, conflicting classifications (1 of 4 stars). 2 submissions from 2 submitters: Uncertain significance (1); Likely benign (1). Last evaluated 2019-07-01.

Conditions:
Koolen-de Vries syndrome (KDVS). Identifiers: Orphanet 96169, MedGen C1864871, MONDO:0012496, OMIM 610443.

Allele frequency attached by ClinVar (database versions not stated): ExAC 0.00001; gnomAD exomes 0.00001.
gnomAD v4.1: 6 of 1,614,106 alleles (0.00037%); highest among the groups gnomAD compares: Non-Finnish European, 0.00051%; no homozygotes.

Submissions (2):

Centre for Mendelian Genomics, University Medical Centre Ljubljana
Classification: Uncertain significance for Koolen-de Vries syndrome. Last evaluated: 2019-07-01. Review status: criteria provided, single submitter. Criteria: ACMG Guidelines, 2015. Collection method: clinical testing. Allele origin: unknown. Affected: yes.
Comment: This variant was classified as: Uncertain significance. The available evidence on this variant's pathogenicity is insufficient or conflicting. The following ACMG criteria were applied in classifying this variant: BP1.

GeneDx
Classification: Likely benign. Last evaluated: 2018-06-06. Review status: criteria provided, single submitter. Criteria: GeneDx Variant Classification (06012015). Collection method: clinical testing. Allele origin: germline. Affected: yes.
Comment: This variant is considered likely benign or benign based on one or more of the following criteria: it is a conservative change, it occurs at a poorly conserved position in the protein, it is predicted to be benign by multiple in silico algorithms, and/or has population frequency not consistent with disease.

NM_015443.4(KANSL1):c.1794C>A (p.Ser598Arg)

Gene: KANSL1 (KAT8 regulatory NSL complex subunit 1). Cytogenetic location: 17q21.31.
Variant type: single nucleotide variant.
Coding change: c.1794C>A on transcript NM_015443.4 (MANE Select); coding-DNA position 1794, C replaced by A.
Protein change: p.Ser598Arg; replaces serine 598 with arginine.
Molecular consequence: missense variant.
Genome position (GRCh38, 1-based): chr17:46,066,591, G>T on the plus strand (C>A on the coding strand, the complement: KANSL1 is on the minus strand). VCF-style: chr17-46066591-G-T. GRCh37 (hg19) VCF-style: chr17-44143957-G-T.
Other names: c.1794C>A, p.Ser598Arg (NM_001193465.2, NM_001193466.2, NM_001379198.1); short protein forms S598R.
Identifiers: ClinVar variation 669287 (VCV000669287.4), dbSNP rs749811911, ClinGen allele CA8618731.
Genomic context (GRCh38, chr17:46,066,591, plus strand): 5'-ACCGACCTTCTTGGAAAGAGGAACGATGCTGTTGGGTCGAACAAGCCTCCGCTTCTTACA[G>T]CTCAGTACAGGACGTGTCCGGGCTGCCACACAGGTGCCATCAGATGATGAAGAGACGAGA-3'
Protein context (NP_056258.1, residues 588-608): CVAARTRPVL[Ser598Arg]CKKRRLVRPN